The following is an entry in ClinVar:

ClinVar aggregate classification (germline): Uncertain significance (1 of 4 stars; one submission).

Allele frequency attached by ClinVar (database versions not stated): ExAC 0.00001.
gnomAD v4.1: 9 of 1,546,298 alleles (0.00058%); highest among the groups gnomAD compares: Middle Eastern, 0.017%; no homozygotes.

Submission:

Labcorp Genetics (formerly Invitae), Labcorp
Classification: Uncertain significance. Last evaluated: 2021-03-30. Review status: criteria provided, single submitter. Criteria: Invitae Variant Classification Sherloc (09022015). Collection method: clinical testing. Allele origin: germline.
Comment: In summary, the available evidence is currently insufficient to determine the role of this variant in disease. Therefore, it has been classified as a Variant of Uncertain Significance. Algorithms developed to predict the effect of missense changes on protein structure and function output the following: SIFT: "Tolerated"; PolyPhen-2: "Benign"; Align-GVGD: "Class C0". The histidine amino acid residue is found in multiple mammalian species, suggesting that this missense change does not adversely affect protein function. These predictions have not been confirmed by published functional studies and their clinical significance is uncertain. This variant has not been reported in the literature in individuals with HELLS-related conditions. The frequency data for this variant in the population databases is considered unreliable, as metrics indicate poor data quality at this position in the ExAC database. This sequence change replaces arginine with histidine at codon 53 of the HELLS protein (p.Arg53His). The arginine residue is moderately conserved and there is a small physicochemical difference between arginine and histidine.

NM_018063.5(HELLS):c.158G>A (p.Arg53His)

Gene: HELLS (helicase, lymphoid specific; plus strand). Cytogenetic location: 10q23.33.
Variant type: single nucleotide variant.
Coding change: c.158G>A on transcript NM_018063.5 (MANE Select); coding-DNA position 158, G replaced by A.
Protein change: p.Arg53His; replaces arginine 53 with histidine.
Molecular consequence: missense variant. On other transcripts: 5 prime UTR variant (4).
Genome position (GRCh38, 1-based): chr10:94,554,130, G>A. VCF-style: chr10-94554130-G-A. GRCh37 (hg19) VCF-style: chr10-96313887-G-A.
Other names: c.158G>A, p.Arg53His (NM_001289067.2, NM_001289069.2, NM_001289070.2 and 1 more transcripts); c.110G>A, p.Arg37His (NM_001289068.2); c.-259G>A (NM_001289071.2); c.-192G>A (NM_001289073.2); c.-845G>A (NM_001289074.2); c.-864G>A (NM_001289075.2); short protein forms R37H, R53H.
Identifiers: ClinVar variation 1449653 (VCV001449653.6), dbSNP rs780221772, ClinGen allele CA5615187.